The following is an entry in ClinVar:

ClinVar aggregate classification (germline): Uncertain significance (1 of 4 stars; one submission).

Allele frequency attached by ClinVar (database versions not stated): gnomAD exomes below 0.00001.
gnomAD v4.1: 1 of 1,612,196 alleles (0.000062%); highest among the groups gnomAD compares: Non-Finnish European, 0.000085%; no homozygotes.

Submission:

Ambry Genetics
Classification: Uncertain significance. Last evaluated: 2022-11-05. Review status: criteria provided, single submitter. Criteria: Ambry Variant Classification Scheme 2023. Collection method: clinical testing. Allele origin: germline.
Comment: The p.Y719D variant (also known as c.2155T>G), located in coding exon 14 of the RINT1 gene, results from a T to G substitution at nucleotide position 2155. The tyrosine at codon 719 is replaced by aspartic acid, an amino acid with highly dissimilar properties. This amino acid position is conserved. In addition, this alteration is predicted to be deleterious by in silico analysis. Since supporting evidence is limited at this time, the clinical significance of this alteration remains unclear.

NM_021930.6(RINT1):c.2155T>G (p.Tyr719Asp)

Genes: EFCAB10 (EF-hand calcium binding domain 10; minus strand), RINT1 (RAD50 interactor 1; plus strand). Cytogenetic location: 7q22.3.
Variant type: single nucleotide variant.
Coding change: c.2155T>G on transcript NM_021930.6 (MANE Select); coding-DNA position 2155, T replaced by G.
Protein change: p.Tyr719Asp; replaces tyrosine 719 with aspartic acid.
Molecular consequence: missense variant. On other transcripts: non-coding transcript variant (1), intron variant (2), splice acceptor variant (1).
Genome position (GRCh38, 1-based): chr7:105,565,617, T>G. VCF-style: chr7-105565617-T-G. GRCh37 (hg19) VCF-style: chr7-105206064-T-G.
Other names: c.1921T>G, p.Tyr641Asp (NM_001346599.2); c.1132T>G, p.Tyr378Asp (NM_001346600.2, NM_001346603.2); c.1231T>G, p.Tyr411Asp (NM_001346601.2); c.360-170A>C (NM_001355531.2); c.384-170A>C (NM_001355526.2); c.384-2A>C (NM_001355530.2); short protein forms Y378D, Y411D, Y641D, Y719D.
Identifiers: ClinVar variation 2448400 (VCV002448400.2), dbSNP rs2485187268, ClinGen allele CA368815266.